The following is an entry in ClinVar:

NM_000372.5(TYR):c.110C>T (p.Pro37Leu)

Gene: TYR (tyrosinase; plus strand). Cytogenetic location: 11q14.3.
Variant type: single nucleotide variant.
Coding change: c.110C>T on transcript NM_000372.5 (MANE Select); coding-DNA position 110, C replaced by T.
Protein change: p.Pro37Leu; replaces proline 37 with leucine.
Molecular consequence: missense variant.
Genome position (GRCh38, 1-based): chr11:89,178,063, C>T. VCF-style: chr11-89178063-C-T. GRCh37 (hg19) VCF-style: chr11-88911231-C-T.
Other names: short protein forms P37L.
Identifiers: ClinVar variation 5003978 (VCV005003978.1).

ClinVar aggregate classification (germline): Uncertain significance (1 of 4 stars; one submission).

Conditions:
Oculocutaneous albinism type 1. Also called: Albinism 1; ALBINISM I. Identifiers: Orphanet 352731, MedGen C0268494, MONDO:0018135. Disease mechanism: loss of function.

Submission:

Myriad Genetics, Inc.
Classification: Uncertain significance for Oculocutaneous albinism type 1. Last evaluated: 2026-03-12. Review status: criteria provided, single submitter. Criteria: Myriad Autosomal Dominant, Autosomal Recessive and X-Linked Classification Criteria (2023). Collection method: clinical testing. Allele origin: unknown.
Comment: NM_000372.4(TYR):c.110C>T(P37L) is a missense variant classified as a variant of uncertain significance in the context of oculocutaneous albinism, TYR-related. P37L has been observed in a case with relevant disease (PMID: 24641678). Relevant functional assessments of this variant are not available in the literature. P37L has not been observed in referenced population frequency databases. In summary, there is insufficient evidence to classify NM_000372.4(TYR):c.110C>T(P37L) as pathogenic or benign. Please note: this variant was assessed in the context of healthy population screening.

Literature cited by the submitters: PubMed 24641678.